The following is an entry in ClinVar:

NM_025137.4(SPG11):c.1841del (p.Thr614fs)

Gene: SPG11 (SPG11 vesicle trafficking associated, spatacsin; minus strand). Cytogenetic location: 15q21.1.
Variant type: Deletion.
Coding change: c.1841del on transcript NM_025137.4 (MANE Select); coding-DNA position 1841, one base deleted (C; older notation c.1841delC).
Protein change: p.Thr614fs; shifts the reading frame from threonine 614.
Molecular consequence: frameshift variant.
Genome position (GRCh38, 1-based): chr15:44,629,283, G deleted on the plus strand (C on the coding strand, the reverse complement: SPG11 is on the minus strand). VCF-style (leftmost placement, unchanged base first): chr15-44629282-TG-T. GRCh37 (hg19) VCF-style: chr15-44921480-TG-T.
Other names: c.1841del, p.Thr614fs (NM_001160227.2, NM_001411132.1); short protein forms T614fs.
Identifiers: ClinVar variation 2776644 (VCV002776644.3), dbSNP rs2505601524, ClinGen allele CA2575731106.
Genomic context (GRCh38, chr15:44,629,282, plus strand): 5'-GCTATTCTTACCTTCAGTGTGAATGAAAAGCTCCTTTATTTGGTTGTTAAGGAAAGACAG[TG>T]TAAGATTAAGCAATTGTTCTGAAAAGTGTTTGCTTTGGGGTTCAGAATAACTTTCTCTAA-3'

ClinVar aggregate classification (germline): Pathogenic (1 of 4 stars; one submission).

Conditions:
Hereditary spastic paraplegia 11. Also called: SPASTIC PARAPLEGIA, AUTOSOMAL RECESSIVE, COMPLICATED, WITH THIN CORPUS CALLOSUM; SPASTIC PARAPLEGIA, AUTOSOMAL RECESSIVE, WITH MENTAL IMPAIRMENT AND THIN CORPUS CALLOSUM; Spastic Paraplegia 11; Nakamura Osame syndrome; Autosomal recessive hereditary spastic paraplegia, mental impairment, and thin corpus callosum; Spastic paraplegia, mental retardation and thin corpus callosum. Identifiers: Orphanet 2822, MedGen C1858479, MONDO:0011445, OMIM 604360.

Submission:

Labcorp Genetics (formerly Invitae), Labcorp
Classification: Pathogenic for Hereditary spastic paraplegia 11. Last evaluated: 2023-03-27. Review status: criteria provided, single submitter. Criteria: Invitae Variant Classification Sherloc (09022015). Collection method: clinical testing. Allele origin: germline.
Comment: This sequence change creates a premature translational stop signal (p.Thr614Asnfs*9) in the SPG11 gene. It is expected to result in an absent or disrupted protein product. Loss-of-function variants in SPG11 are known to be pathogenic (PMID: 19105190, 20110243, 22154821, 26556829). For these reasons, this variant has been classified as Pathogenic. This variant has not been reported in the literature in individuals affected with SPG11-related conditions. This variant is not present in population databases (gnomAD no frequency).

Literature cited by the submitters: PubMed 19105190; PubMed 20110243; PubMed 22154821; PubMed 26556829.